The following is an entry in ClinVar:

NM_001036.6(RYR3):c.7802A>G (p.Lys2601Arg)

Gene: RYR3 (ryanodine receptor 3; plus strand). Cytogenetic location: 15q14.
Variant type: single nucleotide variant.
Coding change: c.7802A>G on transcript NM_001036.6 (MANE Select); coding-DNA position 7802, A replaced by G.
Protein change: p.Lys2601Arg; replaces lysine 2601 with arginine.
Molecular consequence: missense variant.
Genome position (GRCh38, 1-based): chr15:33,739,977, A>G. VCF-style: chr15-33739977-A-G. GRCh37 (hg19) VCF-style: chr15-34032178-A-G.
Other names: c.7802A>G, p.Lys2601Arg (NM_001243996.4); short protein forms K2601R.
Identifiers: ClinVar variation 845040 (VCV000845040.10), dbSNP rs754866375, ClinGen allele CA7459986.

ClinVar aggregate classification (germline): Uncertain significance. Review status: criteria provided, multiple submitters, no conflicts (2 of 4 stars). 2 submissions from 2 submitters: Uncertain significance (2). Last evaluated 2023-11-03.

Conditions:
Epileptic encephalopathy. Identifiers: MedGen C0543888, HP:0200134.

Allele frequency attached by ClinVar (database versions not stated): gnomAD exomes 0.00001 and 0.00003; TOPMed 0.00001; ExAC 0.00003.
gnomAD v4.1: 8 of 1,613,870 alleles (0.0005%); highest among the groups gnomAD compares: Admixed American, 0.013%; no homozygotes.

Submissions (2):

Women's Health and Genetics/Laboratory Corporation of America, LabCorp
Classification: Uncertain significance. Last evaluated: 2023-11-03. Review status: criteria provided, single submitter. Criteria: LabCorp Variant Classification Summary - May 2015. Collection method: clinical testing. Allele origin: germline.
Comment: Variant summary: RYR3 c.7802A>G (p.Lys2601Arg) results in a conservative amino acid change in the encoded protein sequence. Three of five in-silico tools predict a benign effect of the variant on protein function. The variant allele was found at a frequency of 2.8e-05 in 249042 control chromosomes. The available data on variant occurrences in the general population are insufficient to allow any conclusion about variant significance. To our knowledge, no occurrence of c.7802A>G in individuals affected with Congenital Myopathy 20 and no experimental evidence demonstrating its impact on protein function have been reported. One submitter has cited clinical-significance assessments for this variant to ClinVar after 2014 and has classified the variant as uncertain significance. Based on the evidence outlined above, the variant was classified as uncertain significance.

Labcorp Genetics (formerly Invitae), Labcorp
Classification: Uncertain significance for Epileptic encephalopathy. Last evaluated: 2022-02-24. Review status: criteria provided, single submitter. Criteria: Invitae Variant Classification Sherloc (09022015). Collection method: clinical testing. Allele origin: germline.
Comment: Algorithms developed to predict the effect of missense changes on protein structure and function (SIFT, PolyPhen-2, Align-GVGD) all suggest that this variant is likely to be tolerated. This sequence change replaces lysine, which is basic and polar, with arginine, which is basic and polar, at codon 2601 of the RYR3 protein (p.Lys2601Arg). This variant is present in population databases (rs754866375, gnomAD 0.02%). This variant has not been reported in the literature in individuals affected with RYR3-related conditions. ClinVar contains an entry for this variant (Variation ID: 845040). In summary, the available evidence is currently insufficient to determine the role of this variant in disease. Therefore, it has been classified as a Variant of Uncertain Significance.